The following is an entry in ClinVar:

ClinVar aggregate classification (germline): Uncertain significance. Review status: criteria provided, multiple submitters, no conflicts (2 of 4 stars). 2 submissions from 2 submitters: Uncertain significance (2). Last evaluated 2024-02-12.

Conditions:
CHARGE syndrome (CHARGE). Also called: Hittner Hirsch Kreh syndrome; CHARGE ASSOCIATION--COLOBOMA, HEART ANOMALY, CHOANAL ATRESIA, RETARDATION, GENITAL AND EAR ANOMALIES; Coloboma, heart anomaly, choanal atresia, retardation, genital and ear anomalies; CHARGE association; Hall-Hittner syndrome. Identifiers: Orphanet 138, MedGen C0265354, MONDO:0008965.
Hypogonadotropic hypogonadism 5 with or without anosmia (KAL5). Also called: CHD7-Related GnRH Deficiency (Kallmann Syndrome 5); HYPOGONADOTROPIC HYPOGONADISM 5 WITH ANOSMIA; HYPOGONADOTROPHIC HYPOGONADISM 5 WITHOUT ANOSMIA. Identifiers: Orphanet 478, MedGen C3552553, MONDO:0012880, OMIM 612370. Disease mechanism: loss of function.

Allele frequency attached by ClinVar (database versions not stated): TOPMed 0.00002.

Submissions (2):

Fulgent Genetics
Classification: Uncertain significance for CHD7-related CHARGE syndrome; Hypogonadotropic hypogonadism 5 with or without anosmia. Last evaluated: 2024-02-12. Review status: criteria provided, single submitter. Criteria: ACMG Guidelines, 2015. Collection method: clinical testing. Allele origin: germline.

GeneDx
Classification: Uncertain significance. Last evaluated: 2023-03-02. Review status: criteria provided, single submitter. Criteria: GeneDx Variant Classification Process June 2021. Collection method: clinical testing. Allele origin: germline. Affected: yes.
Comment: Not observed at significant frequency in large population cohorts (gnomAD); In silico analysis supports that this missense variant does not alter protein structure/function; Has not been previously published as pathogenic or benign to our knowledge

NM_017780.4(CHD7):c.7602G>T (p.Leu2534Phe)

Gene: CHD7 (chromodomain helicase DNA binding protein 7; plus strand). Cytogenetic location: 8q12.2.
Variant type: single nucleotide variant.
Coding change: c.7602G>T on transcript NM_017780.4 (MANE Select); coding-DNA position 7602, G replaced by T.
Protein change: p.Leu2534Phe; replaces leucine 2534 with phenylalanine.
Molecular consequence: missense variant. On other transcripts: intron variant (1).
Genome position (GRCh38, 1-based): chr8:60,856,882, G>T. VCF-style: chr8-60856882-G-T. GRCh37 (hg19) VCF-style: chr8-61769441-G-T.
Other names: c.1717-5347G>T (NM_001316690.1); short protein forms L2534F.
Identifiers: ClinVar variation 2578078 (VCV002578078.2), dbSNP rs1161958266, ClinGen allele CA371302927.